The following is an entry in ClinVar:

NM_177924.5(ASAH1):c.*200C>T

Gene: ASAH1 (N-acylsphingosine amidohydrolase 1; minus strand). Cytogenetic location: 8p22.
Variant type: single nucleotide variant.
Coding change: c.*200C>T on transcript NM_177924.5 (MANE Select); 200 bases downstream of the stop codon, C replaced by T.
Molecular consequence: 3 prime UTR variant.
Genome position (GRCh38, 1-based): chr8:18,057,334, G>A on the plus strand (C>T on the coding strand, the complement: ASAH1 is on the minus strand). VCF-style: chr8-18057334-G-A. GRCh37 (hg19) VCF-style: chr8-17914843-G-A.
Other names: c.*200C>T (NM_001127505.3, NM_001363743.2, NM_004315.6).
Identifiers: ClinVar variation 362366 (VCV000362366.8), dbSNP rs71526182, ClinGen allele CA10630583.

ClinVar aggregate classification (germline): Benign/Likely benign. Review status: criteria provided, multiple submitters, no conflicts (2 of 4 stars). 3 submissions from 3 submitters: Benign (1); Likely benign (2). Last evaluated 2018-07-15.

Conditions:
Farber lipogranulomatosis (FRBRL). Also called: Farber's lipogranulomatosis; Farber's disease; Farber disease; AC DEFICIENCY; ACID CERAMIDASE DEFICIENCY; CERAMIDASE DEFICIENCY. Identifiers: Orphanet 333, MedGen C0268255, MONDO:0009218, OMIM 228000.

Allele frequency attached by ClinVar (database versions not stated): 1000 Genomes Project 30x 0.02139; 1000 Genomes Project 0.02256; TOPMed 0.02392; gnomAD 0.02429 and 0.02510; gnomAD exomes 0.03595.
gnomAD v4.1: 12,484 of 393,860 alleles (3.2%); highest among the groups gnomAD compares: South Asian, 5.5%; 307 homozygotes.

Submissions (3):

GeneDx
Classification: Likely benign. Last evaluated: 2018-07-15. Review status: criteria provided, single submitter. Criteria: GeneDx Variant Classification Process June 2021. Collection method: clinical testing. Allele origin: germline. Affected: yes.

Illumina Laboratory Services, Illumina
Classification: Benign for Farber lipogranulomatosis. Last evaluated: 2018-01-13. Review status: criteria provided, single submitter. Criteria: ICSL Variant Classification Criteria 13 December 2019. Collection method: clinical testing. Allele origin: germline.
Comment: This variant was observed in the ICSL laboratory as part of a predisposition screen in an ostensibly healthy population. It had not been previously curated by ICSL or reported in the Human Gene Mutation Database (HGMD: prior to June 1st, 2018), and was therefore a candidate for classification through an automated scoring system. Utilizing variant allele frequency, disease prevalence and penetrance estimates, and inheritance mode, an automated score was calculated to assess if this variant is too frequent to cause the disease. Based on the score and internal cut-off values, a variant classified as benign is not then subjected to further curation. The score for this variant resulted in a classification of benign for this disease.

Breakthrough Genomics
Classification: Likely benign. Review status: criteria provided, single submitter. Criteria: ACMG Guidelines, 2015. Collection method: not provided. Allele origin: germline. Inheritance: Autosomal recessive inheritance. Affected: yes.